The following is an entry in ClinVar:

NM_003873.7(NRP1):c.2094C>T (p.Asp698=)

Gene: NRP1 (neuropilin 1; minus strand). Cytogenetic location: 10p11.22.
Variant type: single nucleotide variant.
Coding change: c.2094C>T on transcript NM_003873.7 (MANE Select); coding-DNA position 2094, C replaced by T.
Protein change: p.Asp698=; no amino-acid change (aspartic acid 698 retained).
Molecular consequence: synonymous variant. On other transcripts: non-coding transcript variant (1).
Genome position (GRCh38, 1-based): chr10:33,186,457, G>A on the plus strand (C>T on the coding strand, the complement: NRP1 is on the minus strand). VCF-style: chr10-33186457-G-A. GRCh37 (hg19) VCF-style: chr10-33475385-G-A.
Other names: c.2076C>T, p.Asp692= (NM_001244972.2); c.2073C>T, p.Asp691= (NM_001244973.2); c.2094C>T, p.Asp698= (NM_001330068.2).
Identifiers: ClinVar variation 4983795 (VCV004983795.1).

ClinVar aggregate classification (germline): Likely benign (1 of 4 stars; one submission).

Conditions:
NRP1-related disorder. Also called: NRP1-related condition.

gnomAD v4.1: 22 of 1,613,640 alleles (0.0014%); highest among the groups gnomAD compares: East Asian, 0.0067%; no homozygotes.

Submission:

PreventionGenetics, part of Exact Sciences
Classification: Likely benign for NRP1-related condition. Last evaluated: 2024-10-13. Review status: criteria provided, single submitter. Criteria: ACMG Guidelines, 2015. Collection method: clinical testing. Allele origin: germline.
Comment: This variant is classified as likely benign based on ACMG/AMP sequence variant interpretation guidelines (Richards et al. 2015 PMID: 25741868, with internal and published modifications).